The following is an entry in ClinVar:

ClinVar aggregate classification (germline): Likely benign. Review status: criteria provided, multiple submitters, no conflicts (2 of 4 stars). 3 submissions from 3 submitters: Likely benign (2). 1 of the submissions does not count toward it. Last evaluated 2026-07-01.

Conditions:
MEF2C-related disorder. Also called: MEF2C-related condition; MEF2C-related disorders. Identifiers: MedGen CN381096.

Allele frequency attached by ClinVar (database versions not stated): gnomAD 0.00043; TOPMed 0.00060.

Submissions (3):

CeGaT Center for Human Genetics Tuebingen
Classification: Likely benign. Last evaluated: 2026-07-01. Review status: criteria provided, single submitter. Criteria: CeGaT Center For Human Genetics Tuebingen Variant Classification Criteria Version 2. Collection method: clinical testing. Allele origin: germline. Affected: yes. Observed: 1 variant allele.
Comment: MEF2C: BS1

Blueprint Genetics
Classification: Likely benign. Last evaluated: 2024-07-18. Review status: criteria provided, single submitter. Criteria: ACMG Guidelines, 2015. Collection method: clinical testing. Allele origin: germline.

PreventionGenetics, part of Exact Sciences
Classification: Likely benign for MEF2C-related condition. Last evaluated: 2021-11-04. Review status: no assertion criteria provided. Collection method: clinical testing. Allele origin: germline. Not counted in ClinVar's aggregate classification.
Comment: This variant is classified as likely benign based on ACMG/AMP sequence variant interpretation guidelines (Richards et al. 2015 PMID: 25741868, with internal and published modifications).

NM_002397.4(MEF2C):c.-510T>C

Gene: MEF2C (myocyte enhancer factor 2C; minus strand). Cytogenetic location: 5q14.3.
Variant type: single nucleotide variant.
Coding change: c.-510T>C on transcript NM_002397.4; 510 bases upstream of the start codon, T replaced by C.
Molecular consequence: intron variant (on NM_001364329.2).
Genome position (GRCh38, 1-based): chr5:88,883,322, A>G on the plus strand (T>C on the coding strand, the complement: MEF2C is on the minus strand). VCF-style: chr5-88883322-A-G. GRCh37 (hg19) VCF-style: chr5-88179139-A-G.
Other names: c.-140+4180T>C (NM_001364329.2, NM_001364334.2); c.-143+4180T>C (NM_001364330.2, NM_001131005.2, NM_001193347.1); c.-143+1167T>C (NM_001364345.2, NM_001364335.2).
Identifiers: ClinVar variation 3051721 (VCV003051721.4), dbSNP rs1000606348, ClinGen allele CA122625293.